The following is an entry in ClinVar:

NM_053025.4(MYLK):c.3382A>T (p.Thr1128Ser)

Gene: MYLK (myosin light chain kinase; minus strand). Cytogenetic location: 3q21.1.
Variant type: single nucleotide variant.
Coding change: c.3382A>T on transcript NM_053025.4 (MANE Select); coding-DNA position 3382, A replaced by T.
Protein change: p.Thr1128Ser; replaces threonine 1128 with serine.
Molecular consequence: missense variant.
Genome position (GRCh38, 1-based): chr3:123,700,086, T>A on the plus strand (A>T on the coding strand, the complement: MYLK is on the minus strand). VCF-style: chr3-123700086-T-A. GRCh37 (hg19) VCF-style: chr3-123418933-T-A.
Other names: c.2854A>T, p.Thr952Ser (NM_001321309.2); c.3175A>T, p.Thr1059Ser (NM_053026.4, NM_053028.4); c.3382A>T, p.Thr1128Ser (NM_053027.4); short protein forms T1059S, T1128S, T952S.
Identifiers: ClinVar variation 3297601 (VCV003297601.2).

ClinVar aggregate classification (germline): Uncertain significance. Review status: criteria provided, multiple submitters, no conflicts (2 of 4 stars). 2 submissions from 2 submitters: Uncertain significance (2). Last evaluated 2025-12-28.

Conditions:
Familial thoracic aortic aneurysm and aortic dissection (TAAD). Also called: Thoracic aortic aneurysms and dissections. Identifiers: Orphanet 91387, MedGen C4707243, MONDO:0019625.
Aortic aneurysm, familial thoracic 7 (AAT7). Also called: AORTIC DISSECTION, FAMILIAL, WITH OR WITHOUT AORTIC ANEURYSM. Identifiers: MedGen C3151077, MONDO:0013418, OMIM 613780.

gnomAD v4.1: 6 of 1,613,900 alleles (0.00037%); highest among the groups gnomAD compares: Non-Finnish European, 0.000085%; no homozygotes.

Submissions (2):

Labcorp Genetics (formerly Invitae), Labcorp
Classification: Uncertain significance for Aortic aneurysm, familial thoracic 7. Last evaluated: 2025-12-28. Review status: criteria provided, single submitter. Criteria: Invitae Variant Classification Sherloc (09022015). Collection method: clinical testing. Allele origin: germline.
Comment: This sequence change replaces threonine, which is neutral and polar, with serine, which is neutral and polar, at codon 1128 of the MYLK protein (p.Thr1128Ser). This variant is present in population databases (no rsID available, gnomAD 0.003%). This variant has not been reported in the literature in individuals affected with MYLK-related conditions. ClinVar contains an entry for this variant (Variation ID: 3297601). Invitae Evidence Modeling of protein sequence and biophysical properties (such as structural, functional, and spatial information, amino acid conservation, physicochemical variation, residue mobility, and thermodynamic stability) indicates that this missense variant is not expected to disrupt MYLK protein function with a negative predictive value of 80%. In summary, the available evidence is currently insufficient to determine the role of this variant in disease. Therefore, it has been classified as a Variant of Uncertain Significance.

Ambry Genetics
Classification: Uncertain significance for Familial thoracic aortic aneurysm and aortic dissection. Last evaluated: 2024-04-21. Review status: criteria provided, single submitter. Criteria: Ambry Variant Classification Scheme 2023. Collection method: clinical testing. Allele origin: germline.
Comment: The p.T1128S variant (also known as c.3382A>T), located in coding exon 15 of the MYLK gene, results from an A to T substitution at nucleotide position 3382. The threonine at codon 1128 is replaced by serine, an amino acid with similar properties. This amino acid position is conserved. In addition, this alteration is predicted to be tolerated by in silico analysis. Based on the available evidence, the clinical significance of this variant remains unclear.